The following is an entry in ClinVar:

NM_000153.4(GALC):c.533G>A (p.Trp178Ter)

Gene: GALC (galactosylceramidase; minus strand). Cytogenetic location: 14q31.3.
Variant type: single nucleotide variant.
Coding change: c.533G>A on transcript NM_000153.4 (MANE Select); coding-DNA position 533, G replaced by A.
Protein change: p.Trp178Ter; replaces tryptophan 178 with a stop codon.
Molecular consequence: nonsense.
Genome position (GRCh38, 1-based): chr14:87,984,443, C>T on the plus strand (G>A on the coding strand, the complement: GALC is on the minus strand). VCF-style: chr14-87984443-C-T. GRCh37 (hg19) VCF-style: chr14-88450787-C-T.
Other names: c.464G>A, p.Trp155Ter (NM_001201401.2); c.455G>A, p.Trp152Ter (NM_001201402.2); short protein forms W178*, W152*, W155*.
Identifiers: ClinVar variation 371521 (VCV000371521.13), dbSNP rs968905231, ClinGen allele CA16041702.

ClinVar aggregate classification (germline): Pathogenic. Review status: criteria provided, multiple submitters, no conflicts (2 of 4 stars). 4 submissions from 4 submitters: Pathogenic (3). 1 of the submissions does not count toward it. Last evaluated 2025-08-04.

Conditions:
Galactosylceramide beta-galactosidase deficiency. Also called: Leukodystrophy, Globoid Cell; Krabbe Disease; GALACTOCEREBROSIDASE DEFICIENCY; GALC DEFICIENCY; GLOBOID CELL LEUKOENCEPHALOPATHY. Identifiers: Orphanet 487, MedGen C0023521, MONDO:0009499, OMIM 245200.

Allele frequency attached by ClinVar (database versions not stated): gnomAD exomes below 0.00001; TOPMed 0.00001.
gnomAD v4.1: 2 of 1,614,054 alleles (0.00012%); highest among the groups gnomAD compares: Non-Finnish European, 0.00017%; no homozygotes.

Submissions (4):

Labcorp Genetics (formerly Invitae), Labcorp
Classification: Pathogenic for Galactosylceramide beta-galactosidase deficiency. Last evaluated: 2025-08-04. Review status: criteria provided, single submitter. Criteria: Invitae Variant Classification Sherloc (09022015). Collection method: clinical testing. Allele origin: germline.
Comment: This sequence change creates a premature translational stop signal (p.Trp178*) in the GALC gene. It is expected to result in an absent or disrupted protein product. Loss-of-function variants in GALC are known to be pathogenic (PMID: 7437911, 9272171, 16607461). This variant is not present in population databases (gnomAD no frequency). This premature translational stop signal has been observed in individual(s) with clinical features of Krabbe disease (PMID: 26795590). ClinVar contains an entry for this variant (Variation ID: 371521). Algorithms developed to predict the effect of sequence changes on RNA splicing suggest that this variant may disrupt the consensus splice site. For these reasons, this variant has been classified as Pathogenic.

Genomic Medicine Center of Excellence, King Faisal Specialist Hospital and Research Centre
Classification: Pathogenic for Galactosylceramide beta-galactosidase deficiency. Last evaluated: 2024-03-26. Review status: criteria provided, single submitter. Criteria: ACMG Guidelines, 2015. Collection method: clinical testing. Allele origin: germline.

Fulgent Genetics
Classification: Pathogenic for Galactosylceramide beta-galactosidase deficiency. Last evaluated: 2024-02-01. Review status: criteria provided, single submitter. Criteria: ACMG Guidelines, 2015. Collection method: clinical testing. Allele origin: germline.

Counsyl
Classification: Likely pathogenic for Galactosylceramide beta-galactosidase deficiency. Last evaluated: 2016-10-10. Review status: no assertion criteria provided. Collection method: clinical testing. Allele origin: unknown. Not counted in ClinVar's aggregate classification.

Literature cited by the submitters: PubMed 7437911 (cited by Labcorp Genetics (formerly Invitae), Labcorp); PubMed 9272171 (cited by Labcorp Genetics (formerly Invitae), Labcorp); PubMed 16607461 (cited by Labcorp Genetics (formerly Invitae), Labcorp); PubMed 26795590 (cited by Labcorp Genetics (formerly Invitae), Labcorp); PubMed 21824559 (cited by Counsyl).